The following is an entry in ClinVar:

ClinVar aggregate classification (germline): Uncertain significance (1 of 4 stars; one submission).

gnomAD v4.1: 1 of 1,612,186 alleles (0.000062%); highest among the groups gnomAD compares: Admixed American, 0.0017%; no homozygotes.

Submission:

Labcorp Genetics (formerly Invitae), Labcorp
Classification: Uncertain significance. Last evaluated: 2024-08-03. Review status: criteria provided, single submitter. Criteria: Invitae Variant Classification Sherloc (09022015). Collection method: clinical testing. Allele origin: germline.
Comment: This sequence change replaces alanine, which is neutral and non-polar, with valine, which is neutral and non-polar, at codon 963 of the MAGEL2 protein (p.Ala963Val). This variant is present in population databases (rs766076021, gnomAD 0.003%). This variant has not been reported in the literature in individuals affected with MAGEL2-related conditions. Advanced modeling of protein sequence and biophysical properties (such as structural, functional, and spatial information, amino acid conservation, physicochemical variation, residue mobility, and thermodynamic stability) performed at Invitae indicates that this missense variant is not expected to disrupt MAGEL2 protein function with a negative predictive value of 80%. In summary, the available evidence is currently insufficient to determine the role of this variant in disease. Therefore, it has been classified as a Variant of Uncertain Significance.

NM_019066.5(MAGEL2):c.2888C>T (p.Ala963Val)

Gene: MAGEL2 (MAGE family member L2; minus strand). Cytogenetic location: 15q11.2.
Variant type: single nucleotide variant.
Coding change: c.2888C>T on transcript NM_019066.5 (MANE Select); coding-DNA position 2888, C replaced by T.
Protein change: p.Ala963Val; replaces alanine 963 with valine.
Molecular consequence: missense variant.
Genome position (GRCh38, 1-based): chr15:23,644,855, G>A on the plus strand (C>T on the coding strand, the complement: MAGEL2 is on the minus strand). VCF-style: chr15-23644855-G-A. GRCh37 (hg19) VCF-style: chr15-23890002-G-A.
Other names: short protein forms A963V.
Identifiers: ClinVar variation 3613656 (VCV003613656.2).